The following is an entry in ClinVar:

NM_001330078.2(NRXN1):c.2049C>G (p.Asn683Lys)

Gene: NRXN1 (neurexin 1; minus strand). Cytogenetic location: 2p16.3.
Variant type: single nucleotide variant.
Coding change: c.2049C>G on transcript NM_001330078.2 (MANE Select); coding-DNA position 2049, C replaced by G.
Protein change: p.Asn683Lys; replaces asparagine 683 with lysine.
Molecular consequence: missense variant.
Genome position (GRCh38, 1-based): chr2:50,538,347, G>C on the plus strand (C>G on the coding strand, the complement: NRXN1 is on the minus strand). VCF-style: chr2-50538347-G-C. GRCh37 (hg19) VCF-style: chr2-50765485-G-C.
Other names: c.2169C>G, p.Asn723Lys (NM_001135659.3); c.2025C>G, p.Asn675Lys (NM_001330077.2, NM_001330082.2, NM_001330095.2); c.2010C>G, p.Asn670Lys (NM_001330083.2, NM_001330084.2); c.2049C>G, p.Asn683Lys (NM_001330085.2, NM_001330086.2, NM_004801.6); c.1965C>G, p.Asn655Lys (NM_001330087.2, NM_001330096.2); c.1995C>G, p.Asn665Lys (NM_001330088.2); c.2046C>G, p.Asn682Lys (NM_001330093.2); c.2037C>G, p.Asn679Lys (NM_001330094.2); short protein forms N655K, N723K, N665K, N679K, N675K, N670K, N682K, N683K.
Identifiers: ClinVar variation 1387134 (VCV001387134.8), dbSNP rs201255327, ClinGen allele CA346770325.
Genomic context (GRCh38, chr2:50,538,347, plus strand): 5'-GGAACAATCACAGACATATCTGTTCCACCCATCCCTGCACATGCCATTGTTTTTGCAAGG[G>C]TTGCTAAGGCACGGTTTTGCTGTTTCCTTTGAGCAGGAAGGCTTCACTCCAGCAGTACTT-3'
Protein context (NP_001317007.1, residues 673-693): SKETAKPCLS[Asn683Lys]PCKNNGMCRD

ClinVar aggregate classification (germline): Uncertain significance (1 of 4 stars; one submission).

Conditions:
Pitt-Hopkins-like syndrome 2 (PTHSL2). Identifiers: Orphanet 221150, Orphanet 600663, MedGen C3280479, MONDO:0013690, OMIM 614325.

Submission:

Labcorp Genetics (formerly Invitae), Labcorp
Classification: Uncertain significance for Pitt-Hopkins-like syndrome 2. Last evaluated: 2025-11-15. Review status: criteria provided, single submitter. Criteria: Invitae Variant Classification Sherloc (09022015). Collection method: clinical testing. Allele origin: germline.
Comment: This sequence change replaces asparagine, which is neutral and polar, with lysine, which is basic and polar, at codon 723 of the NRXN1 protein (p.Asn723Lys). This variant is not present in population databases (gnomAD no frequency). This variant has not been reported in the literature in individuals affected with NRXN1-related conditions. ClinVar contains an entry for this variant (Variation ID: 1387134). An algorithm developed to predict the effect of missense changes on protein structure and function (PolyPhen-2) suggests that this variant is likely to be tolerated. In summary, the available evidence is currently insufficient to determine the role of this variant in disease. Therefore, it has been classified as a Variant of Uncertain Significance.